The following is an entry in ClinVar:

NM_018941.4(CLN8):c.321C>G (p.Ile107Met)

Gene: CLN8 (CLN8 transmembrane ER and ERGIC protein; plus strand). Cytogenetic location: 8p23.3.
Variant type: single nucleotide variant.
Coding change: c.321C>G on transcript NM_018941.4 (MANE Select); coding-DNA position 321, C replaced by G.
Protein change: p.Ile107Met; replaces isoleucine 107 with methionine.
Molecular consequence: missense variant.
Genome position (GRCh38, 1-based): chr8:1,771,375, C>G. VCF-style: chr8-1771375-C-G. GRCh37 (hg19) VCF-style: chr8-1719541-C-G.
Other names: short protein forms I107M.
Identifiers: ClinVar variation 1335834 (VCV001335834.2), dbSNP rs2130991748, ClinGen allele CA369953321.
Genomic context (GRCh38, chr8:1,771,375, plus strand): 5'-GGACCCTGTGCTGCATGCCGACAAGGCGCGTGGCCAGCAGAACTGGTGCTGGTTTCACAT[C>G]ACGACAGCAACGGGATTCTTTTGCTTTGAAAATGTTGCAGTCCACCTGTCCAACTTGATC-3'
Protein context (NP_061764.2, residues 97-117): RGQQNWCWFH[Ile107Met]TTATGFFCFE

ClinVar aggregate classification (germline): Uncertain significance (1 of 4 stars; one submission).

gnomAD v4.1: 3 of 1,614,228 alleles (0.00019%); highest among the groups gnomAD compares: Non-Finnish European, 0.00025%; no homozygotes.

Submission:

GeneDx
Classification: Uncertain significance. Last evaluated: 2022-01-21. Review status: criteria provided, single submitter. Criteria: GeneDx Variant Classification Process June 2021. Collection method: clinical testing. Allele origin: germline. Affected: yes.
Comment: Not observed in large population cohorts (gnomAD); A different missense change at this residue (I107S) has been reported in the published literature (Kousi et al., 2012); In silico analysis supports that this missense variant does not alter protein structure/function; Has not been previously published as pathogenic or benign to our knowledge